The following is an entry in ClinVar:

NM_001127222.2(CACNA1A):c.6990G>A (p.Pro2330=)

Gene: CACNA1A (calcium voltage-gated channel subunit alpha1 A; minus strand). Cytogenetic location: 19p13.13.
Variant type: single nucleotide variant.
Coding change: c.6990G>A on transcript NM_001127222.2 (MANE Select); coding-DNA position 6990, G replaced by A.
Protein change: p.Pro2330=; no amino-acid change (proline 2330 retained).
Molecular consequence: synonymous variant. On other transcripts: 3 prime UTR variant (3).
Genome position (GRCh38, 1-based): chr19:13,207,844, C>T on the plus strand (G>A on the coding strand, the complement: CACNA1A is on the minus strand). VCF-style: chr19-13207844-C-T. GRCh37 (hg19) VCF-style: chr19-13318658-C-T.
Other names: c.*202G>A (NM_000068.4, NM_001127221.2, NM_001174080.2); c.7008G>A, p.Pro2336= (NM_023035.3).
Identifiers: ClinVar variation 4688172 (VCV004688172.1).

ClinVar aggregate classification (germline): Uncertain significance (1 of 4 stars; one submission).

gnomAD v4.1: 7 of 1,468,720 alleles (0.00048%); highest among the groups gnomAD compares: Admixed American, 0.0024%; no homozygotes.

Submission:

Women's Health and Genetics/Laboratory Corporation of America, LabCorp
Classification: Uncertain significance. Last evaluated: 2025-09-24. Review status: criteria provided, single submitter. Criteria: LabCorp Variant Classification Summary - May 2015. Collection method: clinical testing. Allele origin: germline.
Comment: Variant summary: CACNA1A c.*202G>A is located in the untranslated mRNA region downstream of the termination codon. Consensus agreement among computation tools predict no significant impact on normal splicing. However, these predictions have yet to be confirmed by functional studies. The frequency data for this variant in gnomAD is considered unreliable, as metrics indicate poor data quality at this position. To our knowledge, no occurrence of c.*202G>A in individuals affected with CACNA1A-related conditions and no experimental evidence demonstrating its impact on protein function have been reported. No submitters have cited clinical-significance assessments for this variant to ClinVar. Based on the evidence outlined above, the variant was classified as uncertain significance.